The following is an entry in ClinVar:

ClinVar aggregate classification (germline): Uncertain significance (1 of 4 stars; one submission).

Conditions:
Dyskeratosis congenita. Identifiers: Orphanet 1775, MedGen C0265965, MONDO:0015780.

Submission:

Labcorp Genetics (formerly Invitae), Labcorp
Classification: Uncertain significance for Dyskeratosis congenita. Last evaluated: 2023-08-23. Review status: criteria provided, single submitter. Criteria: Invitae Variant Classification Sherloc (09022015). Collection method: clinical testing. Allele origin: germline.
Comment: This sequence change replaces isoleucine, which is neutral and non-polar, with arginine, which is basic and polar, at codon 389 of the TINF2 protein (p.Ile389Arg). This variant is not present in population databases (gnomAD no frequency). This variant has not been reported in the literature in individuals affected with TINF2-related conditions. An algorithm developed to predict the effect of missense changes on protein structure and function (PolyPhen-2) suggests that this variant is likely to be disruptive. In summary, the available evidence is currently insufficient to determine the role of this variant in disease. Therefore, it has been classified as a Variant of Uncertain Significance.

NM_001099274.3(TINF2):c.1166T>G (p.Ile389Arg)

Gene: TINF2 (TERF1 interacting nuclear factor 2; minus strand). Cytogenetic location: 14q12.
Variant type: single nucleotide variant.
Coding change: c.1166T>G on transcript NM_001099274.3 (MANE Select); coding-DNA position 1166, T replaced by G.
Protein change: p.Ile389Arg; replaces isoleucine 389 with arginine.
Molecular consequence: missense variant. On other transcripts: 3 prime UTR variant (1).
Genome position (GRCh38, 1-based): chr14:24,240,119, A>C on the plus strand (T>G on the coding strand, the complement: TINF2 is on the minus strand). VCF-style: chr14-24240119-A-C. GRCh37 (hg19) VCF-style: chr14-24709325-A-C.
Other names: c.1061T>G, p.Ile354Arg (NM_001363668.2); c.*296T>G (NM_012461.3); short protein forms I389R, I354R.
Identifiers: ClinVar variation 3015705 (VCV003015705.3), dbSNP rs192423622, ClinGen allele CA389221724.